The following is an entry in ClinVar:

ClinVar aggregate classification (germline): Uncertain significance (1 of 4 stars; one submission).

gnomAD v4.1: 2 of 1,614,196 alleles (0.00012%); highest among the groups gnomAD compares: South Asian, 0.0022%; no homozygotes.

Submission:

GeneDx
Classification: Uncertain significance. Last evaluated: 2023-12-23. Review status: criteria provided, single submitter. Criteria: GeneDx Variant Classification Process June 2021. Collection method: clinical testing. Allele origin: germline. Affected: yes.
Comment: Not observed at significant frequency in large population cohorts (gnomAD); In silico analysis supports that this missense variant does not alter protein structure/function; Has not been previously published as pathogenic or benign to our knowledge

NM_005909.5(MAP1B):c.5622G>T (p.Lys1874Asn)

Gene: MAP1B (microtubule associated protein 1B; plus strand). Cytogenetic location: 5q13.2.
Variant type: single nucleotide variant.
Coding change: c.5622G>T on transcript NM_005909.5 (MANE Select); coding-DNA position 5622, G replaced by T.
Protein change: p.Lys1874Asn; replaces lysine 1874 with asparagine.
Molecular consequence: missense variant.
Genome position (GRCh38, 1-based): chr5:72,198,977, G>T. VCF-style: chr5-72198977-G-T. GRCh37 (hg19) VCF-style: chr5-71494804-G-T.
Other names: c.5244G>T, p.Lys1748Asn (NM_001324255.2); short protein forms K1748N, K1874N.
Identifiers: ClinVar variation 3370267 (VCV003370267.1).